The following is an entry in ClinVar:

NM_000245.4(MET):c.2367A>G (p.Ala789=)

Gene: MET (MET proto-oncogene, receptor tyrosine kinase; plus strand). Cytogenetic location: 7q31.2.
Variant type: single nucleotide variant.
Coding change: c.2367A>G on transcript NM_000245.4 (MANE Select); coding-DNA position 2367, A replaced by G.
Protein change: p.Ala789=; no amino-acid change (alanine 789 retained).
Molecular consequence: synonymous variant.
Genome position (GRCh38, 1-based): chr7:116,763,052, A>G. VCF-style: chr7-116763052-A-G. GRCh37 (hg19) VCF-style: chr7-116403106-A-G.
Other names: c.2421A>G, p.Ala807= (NM_001127500.3); c.2367A>G, p.Ala789= (NM_001324401.3); c.1077A>G, p.Ala359= (NM_001324402.2).
Identifiers: ClinVar variation 704960 (VCV000704960.16), dbSNP rs910873191, ClinGen allele CA368982780.

ClinVar aggregate classification (germline): Benign/Likely benign. Review status: criteria provided, multiple submitters, no conflicts (2 of 4 stars). 3 submissions from 3 submitters: Benign (1); Likely benign (2). Last evaluated 2025-11-12.

Conditions:
Renal cell carcinoma. Identifiers: Orphanet 217071, MedGen C0007134, MeSH D002292, MONDO:0005086, HP:0005584.
Hereditary cancer-predisposing syndrome. Also called: Neoplastic Syndromes, Hereditary; Hereditary Cancer Syndrome; Tumor predisposition; Hereditary neoplastic syndrome. Identifiers: Orphanet 140162, MedGen C0027672, MeSH D009386, MONDO:0015356.
Papillary renal cell carcinoma type 1 (RCCP1). Also called: Renal adenocarcinoma; Renal cell carcinoma 1; Renal cell carcinoma, somatic; RENAL CELL CARCINOMA, PAPILLARY, 1, SOMATIC. Identifiers: Orphanet 47044, MedGen C1336839, OMIM 605074, HP:0011797.

Allele frequency attached by ClinVar (database versions not stated): TOPMed 0.00001.
gnomAD v4.1: 13 of 1,613,386 alleles (0.00081%); highest among the groups gnomAD compares: South Asian, 0.0011%; no homozygotes.

Submissions (3):

Labcorp Genetics (formerly Invitae), Labcorp
Classification: Likely benign for Renal cell carcinoma. Last evaluated: 2025-11-12. Review status: criteria provided, single submitter. Criteria: Invitae Variant Classification Sherloc (09022015). Collection method: clinical testing. Allele origin: germline.

Myriad Genetics, Inc.
Classification: Benign for Papillary renal cell carcinoma type 1. Last evaluated: 2024-11-11. Review status: criteria provided, single submitter. Criteria: Myriad Autosomal Dominant, Autosomal Recessive and X-Linked Classification Criteria (2023). Collection method: clinical testing. Allele origin: unknown.
Comment: This variant is considered benign. This variant is a silent/synonymous amino acid change and it is not expected to impact splicing.

Ambry Genetics
Classification: Likely benign for Hereditary cancer-predisposing syndrome. Last evaluated: 2018-02-13. Review status: criteria provided, single submitter. Criteria: Ambry Variant Classification Scheme 2023. Collection method: clinical testing. Allele origin: germline.